The following is an entry in ClinVar:

NM_003718.5(CDK13):c.3715G>T (p.Asp1239Tyr)

Gene: CDK13 (cyclin dependent kinase 13; plus strand). Cytogenetic location: 7p14.1.
Variant type: single nucleotide variant.
Coding change: c.3715G>T on transcript NM_003718.5 (MANE Select); coding-DNA position 3715, G replaced by T.
Protein change: p.Asp1239Tyr; replaces aspartic acid 1239 with tyrosine.
Molecular consequence: missense variant.
Genome position (GRCh38, 1-based): chr7:40,094,156, G>T. VCF-style: chr7-40094156-G-T. GRCh37 (hg19) VCF-style: chr7-40133755-G-T.
Other names: c.3535G>T, p.Asp1179Tyr (NM_031267.4); short protein forms D1239Y, D1179Y.
Identifiers: ClinVar variation 3700190 (VCV003700190.2).

ClinVar aggregate classification (germline): Uncertain significance (1 of 4 stars; one submission).

gnomAD v4.1: 15 of 1,613,794 alleles (0.00093%); highest among the groups gnomAD compares: Admixed American, 0.0017%; no homozygotes.

Submission:

Labcorp Genetics (formerly Invitae), Labcorp
Classification: Uncertain significance. Last evaluated: 2024-05-16. Review status: criteria provided, single submitter. Criteria: Invitae Variant Classification Sherloc (09022015). Collection method: clinical testing. Allele origin: germline.
Comment: This sequence change replaces aspartic acid, which is acidic and polar, with tyrosine, which is neutral and polar, at codon 1239 of the CDK13 protein (p.Asp1239Tyr). This variant is present in population databases (no rsID available, gnomAD 0.002%). This variant has not been reported in the literature in individuals affected with CDK13-related conditions. Advanced modeling of protein sequence and biophysical properties (such as structural, functional, and spatial information, amino acid conservation, physicochemical variation, residue mobility, and thermodynamic stability) performed at Invitae indicates that this missense variant is not expected to disrupt CDK13 protein function with a negative predictive value of 95%. In summary, the available evidence is currently insufficient to determine the role of this variant in disease. Therefore, it has been classified as a Variant of Uncertain Significance.